The following is an entry in ClinVar:

ClinVar aggregate classification (germline): Uncertain significance (1 of 4 stars; one submission).

Submission:

GeneDx
Classification: Uncertain significance. Last evaluated: 2020-08-10. Review status: criteria provided, single submitter. Criteria: GeneDx Variant Classification Process June 2021. Collection method: clinical testing. Allele origin: germline. Affected: yes.
Comment: Not observed in large population cohorts (Lek et al., 2016); In-frame deletion/insertion of 1 amino acids in a non-repeat region; In silico analysis supports a deleterious effect on protein structure/function; Has not been previously published as pathogenic or benign to our knowledge

NM_000337.6(SGCD):c.242_244del (p.Gly81del)

Gene: SGCD (sarcoglycan delta; plus strand). Cytogenetic location: 5q33.3.
Variant type: Deletion.
Coding change: c.242_244del on transcript NM_000337.6 (MANE Select); coding-DNA positions 242 to 244, 3 bases deleted (GAG; older notation c.242_244delGAG).
Protein change: p.Gly81del; deletes glycine 81.
Molecular consequence: inframe deletion.
Genome position (GRCh38, 1-based): chr5:156,508,650-156,508,652, GAG deleted; deleting any 3 consecutive bases within chr5:156,508,648-156,508,652 gives the same sequence; the c. name uses the placement nearest the transcript's 3' end. VCF-style (leftmost placement, unchanged base first): chr5-156508647-AAGG-A. GRCh37 (hg19) VCF-style: chr5-155935657-AAGG-A.
Other names: c.239_241del, p.Gly80del (NM_001128209.2); c.242_244del, p.Gly81del (NM_172244.3); c.242_244delGAG (NM_000337.5); short protein forms G81del, G80del.
Identifiers: ClinVar variation 202090 (VCV000202090.3), dbSNP rs794729165, ClinGen allele CA308794.